The following is an entry in ClinVar:

ClinVar aggregate classification (germline): Uncertain significance. Review status: criteria provided, multiple submitters, no conflicts (2 of 4 stars). 3 submissions from 3 submitters: Uncertain significance (3). Last evaluated 2025-08-30.

Conditions:
Long QT syndrome (LQTS). Identifiers: MedGen C0023976, MeSH D008133, MONDO:0002442. Disease mechanism: loss of function. Inheritance: Various modes of inheritance.
Cardiovascular phenotype. Identifiers: MedGen CN230736.

Allele frequency attached by ClinVar (database versions not stated): TOPMed below 0.00001; gnomAD 0.00001.
gnomAD v4.1: 1 of 1,558,342 alleles (0.000064%); highest among the groups gnomAD compares: Non-Finnish European, 0.000087%; no homozygotes.

Submissions (3):

Labcorp Genetics (formerly Invitae), Labcorp
Classification: Uncertain significance for Long QT syndrome. Last evaluated: 2025-08-30. Review status: criteria provided, single submitter. Criteria: Invitae Variant Classification Sherloc (09022015). Collection method: clinical testing. Allele origin: germline.
Comment: This sequence change replaces glutamic acid, which is acidic and polar, with glutamine, which is neutral and polar, at codon 1126 of the KCNH2 protein (p.Glu1126Gln). This variant is not present in population databases (gnomAD no frequency). This variant has not been reported in the literature in individuals affected with KCNH2-related conditions. ClinVar contains an entry for this variant (Variation ID: 2150497). An algorithm developed to predict the effect of missense changes on protein structure and function (PolyPhen-2) suggests that this variant is likely to be tolerated. In summary, the available evidence is currently insufficient to determine the role of this variant in disease. Therefore, it has been classified as a Variant of Uncertain Significance.

Ambry Genetics
Classification: Uncertain significance for Cardiovascular phenotype. Last evaluated: 2025-06-13. Review status: criteria provided, single submitter. Criteria: Ambry Variant Classification Scheme 2023. Collection method: clinical testing. Allele origin: germline.
Comment: The p.E1126Q variant (also known as c.3376G>C), located in coding exon 15 of the KCNH2 gene, results from a G to C substitution at nucleotide position 3376. The glutamic acid at codon 1126 is replaced by glutamine, an amino acid with highly similar properties. This amino acid position is well conserved in available vertebrate species. In addition, the in silico prediction for this alteration is inconclusive. Based on the available evidence, the clinical significance of this variant remains unclear.

All of Us Research Program, National Institutes of Health
Classification: Uncertain significance for Long QT syndrome. Last evaluated: 2023-08-15. Review status: criteria provided, single submitter. Criteria: ACMG Guidelines, 2015. Collection method: clinical testing. Allele origin: germline. Inheritance: Autosomal dominant inheritance. Observed: 1 variant allele, 1 heterozygote.
Comment: This missense variant replaces glutamic acid with glutamine at codon 1126 of the KCNH2 protein. Computational prediction suggests that this variant may not impact protein structure and function (internally defined REVEL score threshold <= 0.5, PMID: 27666373). To our knowledge, functional studies have not been reported for this variant. This variant has not been reported in individuals affected with KCNH2-related disorders in the literature. This variant has not been identified in the general population by the Genome Aggregation Database (gnomAD). The available evidence is insufficient to determine the role of this variant in disease conclusively. Therefore, this variant is classified as a Variant of Uncertain Significance.

This study involves interpretation of variants in research participants for the purpose of population health screening. Participant phenotype was not available at the time of variant classification. Additional details can be found in publication PMID: 35346344, PMCID: PMC8962531

NM_000238.4(KCNH2):c.3376G>C (p.Glu1126Gln)

Gene: KCNH2 (potassium voltage-gated channel subfamily H member 2; minus strand). Cytogenetic location: 7q36.1.
Variant type: single nucleotide variant.
Coding change: c.3376G>C on transcript NM_000238.4 (MANE Select); coding-DNA position 3376, G replaced by C.
Protein change: p.Glu1126Gln; replaces glutamic acid 1126 with glutamine.
Molecular consequence: missense variant.
Genome position (GRCh38, 1-based): chr7:150,945,469, C>G on the plus strand (G>C on the coding strand, the complement: KCNH2 is on the minus strand). VCF-style: chr7-150945469-C-G. GRCh37 (hg19) VCF-style: chr7-150642557-C-G.
Other names: c.3088G>C, p.Glu1030Gln (NM_001406753.1); c.2356G>C, p.Glu786Gln (NM_172057.3); short protein forms E786Q, E1126Q, E1030Q.
Identifiers: ClinVar variation 2150497 (VCV002150497.6), dbSNP rs1452175986, ClinGen allele CA369851540.
Genomic context (GRCh38, chr7:150,945,469, plus strand): 5'-TGAGGGCCCCCAGCTGGCCCGGTAGGGAGAGGCGTCGTGTGGGGCCTTCTTGGGGAAGCT[C>G]TGGGGCCCCCGGGGGCAGCTCCTCACACGCCATGAACTGGGAAACCTGCAATACACACAG-3'
Protein context (NP_000229.1, residues 1116-1136): ACEELPPGAP[Glu1126Gln]LPQEGPTRRL